The following is an entry in ClinVar:

NM_000432.4(MYL2):c.394A>C (p.Lys132Gln)

Gene: MYL2 (myosin light chain 2; minus strand). Cytogenetic location: 12q24.11.
Variant type: single nucleotide variant.
Coding change: c.394A>C on transcript NM_000432.4 (MANE Select); coding-DNA position 394, A replaced by C.
Protein change: p.Lys132Gln; replaces lysine 132 with glutamine.
Molecular consequence: missense variant.
Genome position (GRCh38, 1-based): chr12:110,913,104, T>G on the plus strand (A>C on the coding strand, the complement: MYL2 is on the minus strand). VCF-style: chr12-110913104-T-G. GRCh37 (hg19) VCF-style: chr12-111350908-T-G.
Other names: short protein forms K132Q.
Identifiers: ClinVar variation 1439361 (VCV001439361.8), dbSNP rs1387580638, ClinGen allele CA386697706.

ClinVar aggregate classification (germline): Uncertain significance (1 of 4 stars; one submission).

Conditions:
Hypertrophic cardiomyopathy 10. Also called: MYL2-Related Familial Hypertrophic Cardiomyopathy; CARDIOMYOPATHY, HYPERTROPHIC, MID-LEFT VENTRICULAR CHAMBER TYPE, 2. Identifiers: MedGen C1834460, MONDO:0012112, OMIM 608758.

Allele frequency attached by ClinVar (database versions not stated): gnomAD exomes below 0.00001.

Submission:

Labcorp Genetics (formerly Invitae), Labcorp
Classification: Uncertain significance for Hypertrophic cardiomyopathy 10. Last evaluated: 2021-02-07. Review status: criteria provided, single submitter. Criteria: Invitae Variant Classification Sherloc (09022015). Collection method: clinical testing. Allele origin: germline.
Comment: In summary, the available evidence is currently insufficient to determine the role of this variant in disease. Therefore, it has been classified as a Variant of Uncertain Significance. Algorithms developed to predict the effect of missense changes on protein structure and function output the following: SIFT: "Tolerated"; PolyPhen-2: "Benign"; Align-GVGD: "Class C0". The glutamine amino acid residue is found in multiple mammalian species, suggesting that this missense change does not adversely affect protein function. These predictions have not been confirmed by published functional studies and their clinical significance is uncertain. This variant has not been reported in the literature in individuals with MYL2-related conditions. This variant is not present in population databases (ExAC no frequency). This sequence change replaces lysine with glutamine at codon 132 of the MYL2 protein (p.Lys132Gln). The lysine residue is moderately conserved and there is a small physicochemical difference between lysine and glutamine.